The following is an entry in ClinVar:

NM_006892.4(DNMT3B):c.1837G>C (p.Val613Leu)

Gene: DNMT3B (DNA methyltransferase 3 beta; plus strand). Cytogenetic location: 20q11.21.
Variant type: single nucleotide variant.
Coding change: c.1837G>C on transcript NM_006892.4 (MANE Select); coding-DNA position 1837, G replaced by C.
Protein change: p.Val613Leu; replaces valine 613 with leucine.
Molecular consequence: missense variant.
Genome position (GRCh38, 1-based): chr20:32,800,230, G>C. VCF-style: chr20-32800230-G-C. GRCh37 (hg19) VCF-style: chr20-31388036-G-C.
Other names: c.1651G>C, p.Val551Leu (NM_001207055.2); c.1549G>C, p.Val517Leu (NM_001207056.2); c.1777G>C, p.Val593Leu (NM_175848.2, NM_175849.2); c.1813G>C, p.Val605Leu (NM_175850.3); short protein forms V613L, V517L, V551L, V593L, V605L.
Identifiers: ClinVar variation 963548 (VCV000963548.8), dbSNP rs768347895, ClinGen allele CA9810720.

ClinVar aggregate classification (germline): Conflicting classifications of pathogenicity. Review status: criteria provided, conflicting classifications (1 of 4 stars). 2 submissions from 2 submitters: Likely pathogenic (1); Uncertain significance (1). Last evaluated 2025-04-22.

Conditions:
Centromeric instability of chromosomes 1,9 and 16 and immunodeficiency (ICF1). Also called: Immunodeficiency-centromeric instability-facial anomalies; IMMUNE DEFICIENCY, VARIABLE, WITH CENTROMERIC INSTABILITY OF CHROMOSOMES 1, 9, AND 16; IMMUNODEFICIENCY SYNDROME, VARIABLE; CENTROMERIC INSTABILITY, IMMUNODEFICIENCY SYNDROME. Identifiers: Orphanet 2268, MedGen C0398788, MONDO:0000133.

Allele frequency attached by ClinVar (database versions not stated): ExAC 0.00001; gnomAD 0.00001; TOPMed 0.00001.
gnomAD v4.1: 14 of 1,614,098 alleles (0.00087%); highest among the groups gnomAD compares: Non-Finnish European, 0.0012%; no homozygotes.

Submissions (2):

Labcorp Genetics (formerly Invitae), Labcorp
Classification: Likely pathogenic for Centromeric instability of chromosomes 1,9 and 16 and immunodeficiency. Last evaluated: 2025-04-22. Review status: criteria provided, single submitter. Criteria: Invitae Variant Classification Sherloc (09022015). Collection method: clinical testing. Allele origin: germline.
Comment: This sequence change replaces valine, which is neutral and non-polar, with leucine, which is neutral and non-polar, at codon 613 of the DNMT3B protein (p.Val613Leu). This variant is present in population databases (rs768347895, gnomAD 0.002%). This variant has not been reported in the literature in individuals affected with DNMT3B-related conditions. ClinVar contains an entry for this variant (Variation ID: 963548). Invitae Evidence Modeling of protein sequence and biophysical properties (such as structural, functional, and spatial information, amino acid conservation, physicochemical variation, residue mobility, and thermodynamic stability) indicates that this missense variant is expected to disrupt DNMT3B protein function with a positive predictive value of 95%. This variant disrupts the p.Val613 amino acid residue in DNMT3B. Other variant(s) that disrupt this residue have been determined to be pathogenic (PMID: 17893117, 17908720). This suggests that this residue is clinically significant, and that variants that disrupt this residue are likely to be disease-causing. In summary, the currently available evidence indicates that the variant is pathogenic, but additional data are needed to prove that conclusively. Therefore, this variant has been classified as Likely Pathogenic.

Blueprint Genetics
Classification: Uncertain significance. Last evaluated: 2024-11-19. Review status: criteria provided, single submitter. Criteria: ACMG Guidelines, 2015. Collection method: clinical testing. Allele origin: germline.

Literature cited by the submitters: PubMed 17893117 (cited by Labcorp Genetics (formerly Invitae), Labcorp); PubMed 17908720 (cited by Labcorp Genetics (formerly Invitae), Labcorp).